The following is an entry in ClinVar:

NM_002230.4(JUP):c.830T>A (p.Leu277His)

Gene: JUP (junction plakoglobin; minus strand). Cytogenetic location: 17q21.2.
Variant type: single nucleotide variant.
Coding change: c.830T>A on transcript NM_002230.4 (MANE Select); coding-DNA position 830, T replaced by A.
Protein change: p.Leu277His; replaces leucine 277 with histidine.
Molecular consequence: missense variant.
Genome position (GRCh38, 1-based): chr17:41,767,458, A>T on the plus strand (T>A on the coding strand, the complement: JUP is on the minus strand). VCF-style: chr17-41767458-A-T. GRCh37 (hg19) VCF-style: chr17-39923710-A-T.
Other names: c.830T>A, p.Leu277His (NM_001352773.2, NM_001352774.2, NM_001352775.2 and 3 more transcripts); short protein forms L277H.
Identifiers: ClinVar variation 3222014 (VCV003222014.1), dbSNP rs782279056, ClinGen allele CA399500999.

ClinVar aggregate classification (germline): Uncertain significance (1 of 4 stars; one submission).

Conditions:
Cardiovascular phenotype. Identifiers: MedGen CN230736.

Allele frequency attached by ClinVar (database versions not stated): TOPMed below 0.00001.
gnomAD v4.1: 12 of 1,614,016 alleles (0.00074%); highest among the groups gnomAD compares: Non-Finnish European, 0.001%; no homozygotes.

Submission:

Ambry Genetics
Classification: Uncertain significance for Cardiovascular phenotype. Last evaluated: 2024-01-22. Review status: criteria provided, single submitter. Criteria: Ambry Variant Classification Scheme 2023. Collection method: clinical testing. Allele origin: germline.
Comment: The p.L277H variant (also known as c.830T>A), located in coding exon 4 of the JUP gene, results from a T to A substitution at nucleotide position 830. The leucine at codon 277 is replaced by histidine, an amino acid with similar properties. This amino acid position is conserved. In addition, this alteration is predicted to be deleterious by in silico analysis. Based on the available evidence, the clinical significance of this alteration remains unclear.